The following is an entry in ClinVar:

ClinVar aggregate classification (germline): Uncertain significance. Review status: criteria provided, multiple submitters, no conflicts (2 of 4 stars). 2 submissions from 2 submitters: Uncertain significance (2). Last evaluated 2026-08-22.

Conditions:
Primary familial hypertrophic cardiomyopathy (HCM). Identifiers: Orphanet 99739, MedGen C0949658, MeSH D024741, MONDO:0024573. Inheritance: Various modes of inheritance.

Allele frequency attached by ClinVar (database versions not stated): TOPMed 0.00002; gnomAD 0.00001; ExAC 0.00002; gnomAD exomes 0.00001.
gnomAD v4.1: 10 of 1,614,054 alleles (0.00062%); highest among the groups gnomAD compares: East Asian, 0.0045%; no homozygotes.

Submissions (2):

Ambry Genetics
Classification: Uncertain significance. Last evaluated: 2026-08-22. Review status: criteria provided, single submitter. Criteria: Ambry Variant Classification Scheme 2023. Collection method: clinical testing. Allele origin: germline.
Comment: The p.V289M variant (also known as c.865G>A), located in coding exon 9 of the ILK gene, results from a G to A substitution at nucleotide position 865. The valine at codon 289 is replaced by methionine, an amino acid with highly similar properties. This amino acid position is conserved. In addition, this alteration is predicted to be deleterious by in silico analysis. Based on the available evidence, the clinical significance of this variant remains unclear.

Labcorp Genetics (formerly Invitae), Labcorp
Classification: Uncertain significance for Primary familial hypertrophic cardiomyopathy. Last evaluated: 2025-10-22. Review status: criteria provided, single submitter. Criteria: Invitae Variant Classification Sherloc (09022015). Collection method: clinical testing. Allele origin: germline.
Comment: This sequence change replaces valine, which is neutral and non-polar, with methionine, which is neutral and non-polar, at codon 289 of the ILK protein (p.Val289Met). This variant is present in population databases (rs776651238, gnomAD 0.02%). This variant has not been reported in the literature in individuals affected with ILK-related conditions. ClinVar contains an entry for this variant (Variation ID: 2152913). An algorithm developed to predict the effect of missense changes on protein structure and function (PolyPhen-2) suggests that this variant is likely to be disruptive. In summary, the available evidence is currently insufficient to determine the role of this variant in disease. Therefore, it has been classified as a Variant of Uncertain Significance.

NM_004517.4(ILK):c.865G>A (p.Val289Met)

Genes: ILK (integrin linked kinase; plus strand), TAF10 (TATA-box binding protein associated factor 10; minus strand). Cytogenetic location: 11p15.4.
Variant type: single nucleotide variant.
Coding change: c.865G>A on transcript NM_004517.4 (MANE Select); coding-DNA position 865, G replaced by A.
Protein change: p.Val289Met; replaces valine 289 with methionine.
Molecular consequence: missense variant. On other transcripts: 3 prime UTR variant (1).
Genome position (GRCh38, 1-based): chr11:6,609,732, G>A. VCF-style: chr11-6609732-G-A. GRCh37 (hg19) VCF-style: chr11-6630963-G-A.
Other names: c.865G>A, p.Val289Met (NM_001014794.3, NM_001014795.3); c.682G>A, p.Val228Met (NM_001278441.2); c.463G>A, p.Val155Met (NM_001278442.2); c.*1190C>T (NM_006284.4); short protein forms V289M, V155M, V228M.
Identifiers: ClinVar variation 2152913 (VCV002152913.6), dbSNP rs776651238, ClinGen allele CA5858215.
Genomic context (GRCh38, chr11:6,609,732, plus strand): 5'-AAATGGCAGAGAGGGAGCCTCTCTGAACTATTTGACTTTTGCCTCCTCTCAGATTTCGTC[G>A]TGGACCAGAGCCAGGCTGTGAAGTTTGCTTTGGACATGGCAAGGGGCATGGCCTTCCTAC-3'
Protein context (NP_004508.1, residues 279-299): NVLHEGTNFV[Val289Met]DQSQAVKFAL